The following is an entry in ClinVar:

ClinVar aggregate classification (germline): Pathogenic (1 of 4 stars; one submission).

Conditions:
Actin accumulation myopathy (CMYO2A). Also called: Nemaline myopathy type 3; Myopathy, actin, congenital, with excess of thin myofilaments; Myopathy, actin, congenital, with cores; Nemaline myopathy 3, with intranuclear rods; CONGENITAL MYOPATHY 2A, TYPICAL, AUTOSOMAL DOMINANT. Identifiers: Orphanet 98904, MedGen C3711389, MONDO:0008070, OMIM 161800.

Submission:

Labcorp Genetics (formerly Invitae), Labcorp
Classification: Pathogenic for Actin accumulation myopathy. Last evaluated: 2023-07-15. Review status: criteria provided, single submitter. Criteria: Invitae Variant Classification Sherloc (09022015). Collection method: clinical testing. Allele origin: germline.
Comment: For these reasons, this variant has been classified as Pathogenic. This variant disrupts the region of the ACTA1 protein between codon 334 and 378. Other variants in this region have been observed in individuals with autosomal dominant ACTA1-related conditions (PMID: 32154989; Invitae), which suggests that this may be a clinically significant region of the protein. This variant has not been reported in the literature in individuals affected with ACTA1-related conditions. This variant is not present in population databases (gnomAD no frequency). This sequence change results in a frameshift in the ACTA1 gene (p.Glu336Serfs*85). While this is not anticipated to result in nonsense mediated decay, it is expected to disrupt the last 42 amino acid(s) of the ACTA1 protein and extend the protein by 42 additional amino acid residues.

Literature cited by the submitters: PubMed 32154989.

NM_001100.4(ACTA1):c.1006del (p.Glu336fs)

Gene: ACTA1 (actin alpha 1, skeletal muscle; minus strand). Cytogenetic location: 1q42.13.
Variant type: Deletion.
Coding change: c.1006del on transcript NM_001100.4 (MANE Select); coding-DNA position 1006, one base deleted (G; older notation c.1006delG).
Protein change: p.Glu336fs; shifts the reading frame from glutamic acid 336.
Molecular consequence: frameshift variant.
Genome position (GRCh38, 1-based): chr1:229,431,627, C deleted on the plus strand (G on the coding strand, the reverse complement: ACTA1 is on the minus strand); the first of 2 consecutive C bases (chr1:229,431,627-229,431,628); deleting either gives the same sequence. VCF-style (leftmost placement, unchanged base first): chr1-229431626-TC-T. GRCh37 (hg19) VCF-style: chr1-229567373-TC-T.
Other names: short protein forms E336fs.
Identifiers: ClinVar variation 2832183 (VCV002832183.3), dbSNP rs2527435672, ClinGen allele CA2739273919.